The following is an entry in ClinVar:

ClinVar aggregate classification (germline): Benign/Likely benign. Review status: criteria provided, multiple submitters, no conflicts (2 of 4 stars). 28 submissions from 28 submitters: Benign (7); Likely benign (14). 7 of the submissions do not count toward it. Last evaluated 2026-09-01.

Conditions:
APC-Associated Polyposis Disorders.
Colorectal cancer. Also called: Malignant Colorectal Neoplasm; Colorectal cancer, somatic. Identifiers: MedGen C0346629, MONDO:0005575, OMIM 114500.
Gastric cancer. Also called: Malignant tumor of stomach; Stomach cancer. Identifiers: MedGen C0024623, MeSH D013274, MONDO:0001056, OMIM 613659, HP:0012126.
Familial adenomatous polyposis 1 (FAP1). Also called: FAMILIAL ADENOMATOUS POLYPOSIS 1, ATTENUATED; POLYPOSIS, ADENOMATOUS INTESTINAL. Identifiers: MedGen C2713442, MONDO:0021056, OMIM 175100. Disease mechanism: loss of function.
Desmoid disease, hereditary (DESMD). Also called: FIBROMATOSIS, FAMILIAL INFILTRATIVE. Identifiers: Orphanet 873, MedGen C1851124, OMIM 135290. Disease mechanism: loss of function.
Gastric adenocarcinoma and proximal polyposis of the stomach (GAPPS). Also called: Polyposis, gastric, Dos Santos and de Magalhaes 1980; Gastric Adenocarcinoma and Proximal Polyposis of the Stomach (GAPPS); POLYPOSIS, GASTRIC. Identifiers: Orphanet 314022, MedGen C4749917, MONDO:0017790, OMIM 619182.
Hepatocellular carcinoma (HCC). Also called: Primary carcinoma of liver; HEPATOMA; LIVER CELL CARCINOMA. Identifiers: Orphanet 88673, MedGen C2239176, MONDO:0007256, OMIM 114550, HP:0001402.
Classic or attenuated familial adenomatous polyposis. Identifiers: MedGen CN372698, MONDO:0021057.
Hereditary cancer-predisposing syndrome. Also called: Neoplastic Syndromes, Hereditary; Hereditary neoplastic syndrome; Hereditary Cancer Syndrome; Tumor predisposition. Identifiers: Orphanet 140162, MedGen C0027672, MeSH D009386, MONDO:0015356.
Familial multiple polyposis syndrome (FAP). Also called: Classic familial adenomatous polyposis; Familial Adenomatous Polyposis (FAP); Familial adenomatous polyposis; Familial intestinal polyposis; Familial polyposis. Identifiers: Orphanet 733, MedGen C0032580, MONDO:0021055. Disease mechanism: loss of function.
Carcinoma of colon (CRC). Also called: Colon carcinoma; Colonic carcinoma. Identifiers: MedGen C0699790, MONDO:0002032.

Allele frequency attached by ClinVar (database versions not stated): gnomAD 0.00086 and 0.00088; gnomAD exomes 0.00113 and 0.00108; ExAC 0.00099; 1000 Genomes Project 0.00020; 1000 Genomes Project 30x 0.00031; TOPMed 0.00094; ESP Exome Variant Server 0.00108.
gnomAD v4.1: 1,732 of 1,614,090 alleles (0.11%); highest among the groups gnomAD compares: Middle Eastern, 0.3%; 1 homozygote.

Submissions 1 to 20 of 28:

CeGaT Center for Human Genetics Tuebingen
Classification: Likely benign. Last evaluated: 2026-09-01. Review status: criteria provided, single submitter. Criteria: CeGaT Center For Human Genetics Tuebingen Variant Classification Criteria Version 2. Collection method: clinical testing. Allele origin: germline. Affected: yes. Observed: 51 variant alleles.
Comment: APC: BP4, BS1

Labcorp Genetics (formerly Invitae), Labcorp
Classification: Benign for Familial adenomatous polyposis 1. Last evaluated: 2026-02-04. Review status: criteria provided, single submitter. Criteria: Invitae Variant Classification Sherloc (09022015). Collection method: clinical testing. Allele origin: germline.

Center for Genomic Medicine, Rigshospitalet, Copenhagen University Hospital
Classification: Likely benign. Last evaluated: 2025-03-04. Review status: criteria provided, single submitter. Criteria: ACMG Guidelines, 2015. Collection method: clinical testing. Allele origin: germline.

Mayo Clinic Laboratories, Mayo Clinic
Classification: Benign. Last evaluated: 2025-02-10. Review status: criteria provided, single submitter. Criteria: ACMG Guidelines, 2015. Collection method: clinical testing. Allele origin: germline. Observed: 5 variant alleles.

Blueprint Genetics
Classification: Likely benign. Last evaluated: 2024-11-25. Review status: criteria provided, single submitter. Criteria: ACMG Guidelines, 2015. Collection method: clinical testing. Allele origin: germline.

ARUP Laboratories, Molecular Genetics and Genomics, ARUP Laboratories
Classification: Likely benign. Last evaluated: 2024-11-07. Review status: criteria provided, single submitter. Criteria: ARUP Molecular Germline Variant Investigation Process 2024. Collection method: clinical testing. Allele origin: germline.

All of Us Research Program, National Institutes of Health
Classification: Benign for Classic or attenuated familial adenomatous polyposis. Last evaluated: 2024-09-27. Review status: criteria provided, single submitter. Criteria: ACMG Guidelines, 2015. Collection method: clinical testing. Allele origin: germline. Inheritance: Autosomal dominant inheritance. Observed: 427 variant alleles, 427 heterozygotes.
Comment: This study involves interpretation of variants in research participants for the purpose of population health screening. Participant phenotype was not available at the time of variant classification. Additional details can be found in publication PMID: 35346344, PMCID: PMC8962531

Color Diagnostics, LLC DBA Color Health
Classification: Benign for Hereditary cancer-predisposing syndrome. Last evaluated: 2024-09-20. Review status: criteria provided, single submitter. Criteria: ACMG Guidelines, 2015. Collection method: clinical testing. Allele origin: germline.

Institute for Biomarker Research, Medical Diagnostic Laboratories, L.L.C.
Classification: Benign for Hereditary cancer-predisposing syndrome. Last evaluated: 2023-10-31. Review status: criteria provided, single submitter. Criteria: ACMG Guidelines, 2015. Collection method: clinical testing. Allele origin: germline.

Myriad Genetics, Inc.
Classification: Benign for Familial adenomatous polyposis 1. Last evaluated: 2023-02-23. Review status: criteria provided, single submitter. Criteria: Myriad Autosomal Dominant, Autosomal Recessive and X-Linked Classification Criteria (2023). Collection method: clinical testing. Allele origin: unknown.
Comment: This variant is considered benign. This variant has been observed in conjunction with multiple pathogenic variants, reducing the likelihood this variant itself is pathogenic. This variant is strongly associated with less severe personal and family histories of cancer, typical for individuals without pathogenic variants in this gene [PMID: 25085752].

Quest Diagnostics Nichols Institute San Juan Capistrano
Classification: Benign. Last evaluated: 2022-10-05. Review status: criteria provided, single submitter. Criteria: Quest Diagnostics criteria. Collection method: clinical testing. Allele origin: unknown.

Fulgent Genetics
Classification: Likely benign for Colorectal cancer; Hepatocellular carcinoma; Desmoid disease, hereditary; Familial adenomatous polyposis 1; Gastric cancer; Gastric adenocarcinoma and proximal polyposis of the stomach. Last evaluated: 2021-12-14. Review status: criteria provided, single submitter. Criteria: ACMG Guidelines, 2015. Collection method: clinical testing. Allele origin: unknown.

Institute for Clinical Genetics, University Hospital TU Dresden, University Hospital TU Dresden
Classification: Likely benign. Last evaluated: 2021-11-03. Review status: criteria provided, single submitter. Criteria: ACMG Guidelines, 2015. Collection method: clinical testing. Allele origin: germline.

GeneDx
Classification: Likely benign. Last evaluated: 2021-06-22. Review status: criteria provided, single submitter. Criteria: GeneDx Variant Classification Process June 2021. Collection method: clinical testing. Allele origin: germline. Affected: yes.
Comment: In silico analysis, which includes protein predictors and evolutionary conservation, supports that this variant does not alter protein structure/function; This variant is associated with the following publications: (PMID: 22703879, 21859464, 25203624, 27600092, 28202063, 28125075, 18199528, 25637381, 26332594, 27060149, 28283864, 27621404, 25637981)

Sema4
Classification: Likely benign for Hereditary cancer-predisposing syndrome. Last evaluated: 2021-02-24. Review status: criteria provided, single submitter. Criteria: Sema4 Curation Guidelines. Collection method: curation. Allele origin: germline.

Genetic Services Laboratory, University of Chicago
Classification: Likely benign. Last evaluated: 2020-02-05. Review status: criteria provided, single submitter. Criteria: ACMG Guidelines, 2015. Collection method: clinical testing. Allele origin: germline. Affected: no.

Ambry Genetics
Classification: Likely benign for Hereditary cancer-predisposing syndrome. Last evaluated: 2018-07-06. Review status: criteria provided, single submitter. Criteria: Ambry Variant Classification Scheme 2023. Collection method: clinical testing. Allele origin: germline.

Mendelics
Classification: Likely benign for Familial adenomatous polyposis 1. Last evaluated: 2018-07-02. Review status: criteria provided, single submitter. Criteria: Mendelics Assertion Criteria 2017. Collection method: clinical testing. Allele origin: unknown.

Illumina Laboratory Services, Illumina
Classification: Likely benign for APC-Associated Polyposis Disorders. Last evaluated: 2017-04-27. Review status: criteria provided, single submitter. Criteria: ICSL Variant Classification Criteria 13 December 2019. Collection method: clinical testing. Allele origin: germline.
Comment: This variant was observed as part of a predisposition screen in an ostensibly healthy population. A literature search was performed for the gene, cDNA change, and amino acid change (where applicable). No publications were found based on this search. Allele frequency data from public databases allowed determination this variant is unlikely to cause disease. Therefore, this variant is classified as likely benign.

CSER _CC_NCGL, University of Washington
Classification: Likely benign for Familial adenomatous polyposis. Last evaluated: 2016-10-01. Review status: criteria provided, single submitter. Criteria: Amendola et al. (Genome Res. 2015). Collection method: research. Allele origin: germline. Affected: yes. Study: CSER - NEXT Medicine variant annotation.
Comment: This interpretation considers GERP score and allele frequency data, in addition to published reports of the variant in the literature, available at the time of review.

NM_000038.6(APC):c.6821C>T (p.Ala2274Val)

Gene: APC (APC regulator of Wnt signaling pathway; plus strand). Cytogenetic location: 5q22.2.
Variant type: single nucleotide variant.
Coding change: c.6821C>T on transcript NM_000038.6 (MANE Select); coding-DNA position 6821, C replaced by T.
Protein change: p.Ala2274Val; replaces alanine 2274 with valine.
Molecular consequence: missense variant.
Genome position (GRCh38, 1-based): chr5:112,842,415, C>T. VCF-style: chr5-112842415-C-T. GRCh37 (hg19) VCF-style: chr5-112178112-C-T.
Other names: p.A2274V:GCC>GTC; c.6821C>T, p.Ala2274Val (NM_001127510.3, NM_001354895.2); c.6767C>T, p.Ala2256Val (NM_001127511.3); c.6875C>T, p.Ala2292Val (NM_001354896.2); c.6851C>T, p.Ala2284Val (NM_001354897.2); c.6746C>T, p.Ala2249Val (NM_001354898.2); c.6737C>T, p.Ala2246Val (NM_001354899.2); c.6698C>T, p.Ala2233Val (NM_001354900.2); and 6 more; short protein forms A2274V, A2256V, A1991V, A2249V, A2148V, A2173V, A2292V, A2114V.
Identifiers: ClinVar variation 41511 (VCV000041511.93), dbSNP rs34919187, ClinGen allele CA012551.